The following is an entry in ClinVar:

NM_053274.3(GLMN):c.395-1G>C

Gene: GLMN (glomulin, FKBP associated protein; minus strand). Cytogenetic location: 1p22.1.
Variant type: single nucleotide variant.
Coding change: c.395-1G>C on transcript NM_053274.3 (MANE Select); the canonical splice acceptor site of the intron before coding-DNA position 395, G replaced by C.
Molecular consequence: splice acceptor variant.
Genome position (GRCh38, 1-based): chr1:92,289,152, C>G on the plus strand (G>C on the coding strand, the complement: GLMN is on the minus strand). VCF-style: chr1-92289152-C-G. GRCh37 (hg19) VCF-style: chr1-92754709-C-G.
Other names: c.395-1G>C (NM_053274.2, NM_001319683.2).
Identifiers: ClinVar variation 2672116 (VCV002672116.2), dbSNP rs2524154110, ClinGen allele CA341089465.

ClinVar aggregate classification (germline): Pathogenic. Review status: criteria provided, multiple submitters, no conflicts (2 of 4 stars). 2 submissions from 2 submitters: Pathogenic (2). Last evaluated 2026-04-20.

Conditions:
GLMN-related disorder. Also called: GLMN-related condition.
Glomuvenous malformation. Also called: Familial glomangioma; GLOMANGIOMAS, MULTIPLE; GLOMUS TUMORS, MULTIPLE; VENOUS MALFORMATIONS WITH GLOMUS CELLS. Identifiers: Orphanet 83454, MedGen C1841984, MONDO:0007672, OMIM 138000.

gnomAD v4.1: 1 of 1,527,826 alleles (0.000065%); highest among the groups gnomAD compares: Non-Finnish European, 0.000091%; no homozygotes.

Submissions (2):

PreventionGenetics, part of Exact Sciences
Classification: Pathogenic for GLMN-related condition. Last evaluated: 2026-04-20. Review status: criteria provided, single submitter. Criteria: ACMG Guidelines, 2015. Collection method: clinical testing. Allele origin: germline.
Comment: The GLMN c.395-1G>C variant is predicted to disrupt the AG splice acceptor site and interfere with normal splicing. This variant was reported in individuals with glomuvenous malformations; however, one study noted at least one individual with the variant who was still unaffected at the age of 33, suggesting variable penetrance (Brouillard et al. 2013. PubMed ID: 23801931; Borroni et al. 2014. PubMed ID: 24961656). This variant has not been reported in a large population database (gnomAD), indicating this variant is rare. Variants that disrupt the consensus splice acceptor site in GLMN are expected to be pathogenic. This variant is interpreted as pathogenic.

Clinical Genomics Laboratory, Washington University in St. Louis
Classification: Pathogenic for Glomuvenous malformation. Last evaluated: 2023-09-01. Review status: criteria provided, single submitter. Criteria: ACMG Guidelines, 2015. Collection method: clinical testing. Allele origin: germline. Affected: yes.
Comment: The GLMN c.395-1G>C variant was identified at a near heterozygous allelic fraction. This variant has been reported in three individuals affected with glomuvenous malformations (Amyere M et al., PMID: 23375657; Borroni RG et al., PMID: 24961656). Loss-of-function variants, including those impacting splice sites, have been reported in glomuvenous malformation and Blue rubber bleb nevus syndrome (Brouillard P et al., PMID: 15689436, Borroni RG et al., PMID: 24961656; Borroni RG et al., PMID: 24345188; Brouillard P et al., PMID: 23801931; Amyere M et al., PMID: 23375657; Brouillard P et al., PMID: 11845407; Yin J et al., PMID: 31793416). The GLMN c.395-1G>C variant has been reported as a somatic variant in one case in the cancer database COSMIC (Genomic Mutation ID: COSV105922308). This variant is absent from the general population (gnomAD v.3.1.2), indicating it is not a common variant. This variant occurs within the canonical splice donor site, which is predicted to cause the skipping of the exon, leading to an out-of-frame transcript. Another variant at the same position, c.395-1G>A, has been reported in two individuals affected with glomuvenous malformations (Amyere M et al., PMID: 23375657). The presence of a concurrent somatic variant, GLMN c.1687_1688del (p.Phe563HisfsTer3), likely represents a second-hit in the GLMN gene; however, whether these variants are in cis or trans, can not be determined by this assay. The second somatic variant is predicted to result in a loss of function allele. The two-hit model for glomuvenous malformations involving the GLMN gene has been reported in the literature (Brouillard P et al., PMID: 23801931; Brouillard P et al., PMID: 15689436; Amyere M et al., PMID: 23375657; Borroni RG et al., PMID: 24961656; Brouillard et al., PMID: 11845407). Based on available information and the ACMG/AMP guidelines for variant interpretation (Richards S et al., PMID: 25741868), the GLMN c.395-1G>C variant is classified as pathogenic.